The following is an entry in ClinVar:

NM_173354.5(SIK1):c.1386G>A (p.Glu462=)

Gene: SIK1 (salt inducible kinase 1; minus strand). Cytogenetic location: 21q22.3.
Variant type: single nucleotide variant.
Coding change: c.1386G>A on transcript NM_173354.5 (MANE Select); coding-DNA position 1386, G replaced by A.
Protein change: p.Glu462=; no amino-acid change (glutamic acid 462 retained).
Molecular consequence: synonymous variant.
Genome position (GRCh38, 1-based): chr21:43,419,097, C>T on the plus strand (G>A on the coding strand, the complement: SIK1 is on the minus strand). VCF-style: chr21-43419097-C-T. GRCh37 (hg19) VCF-style: chr21-44838977-C-T.
Identifiers: ClinVar variation 733769 (VCV000733769.35), dbSNP rs772722600, ClinGen allele CA321325872.

ClinVar aggregate classification (germline): Benign/Likely benign. Review status: criteria provided, multiple submitters, no conflicts (2 of 4 stars). 3 submissions from 3 submitters: Benign (1); Likely benign (2). Last evaluated 2026-01-19.

Conditions:
Developmental and epileptic encephalopathy, 30 (DEE30). Also called: Epileptic encephalopathy, early infantile, 30. Identifiers: MedGen C4225360, MONDO:0014595, OMIM 616341.

Allele frequency attached by ClinVar (database versions not stated): ExAC below 0.00001; gnomAD exomes 0.00007.

Submissions (3):

Labcorp Genetics (formerly Invitae), Labcorp
Classification: Likely benign for Developmental and epileptic encephalopathy, 30. Last evaluated: 2026-01-19. Review status: criteria provided, single submitter. Criteria: Invitae Variant Classification Sherloc (09022015). Collection method: clinical testing. Allele origin: germline.

Athena Diagnostics
Classification: Benign. Last evaluated: 2025-05-07. Review status: criteria provided, single submitter. Criteria: Athena Diagnostics Criteria. Collection method: clinical testing. Allele origin: unknown.
Comment: The frequency of this variant in the general population is higher than would generally be expected for pathogenic variants in this gene. Computational tools yielded predictions that this variant is unlikely to have an effect on normal RNA splicing. This nucleotide position exhibits low evolutionary conservation.

CeGaT Center for Human Genetics Tuebingen
Classification: Likely benign. Last evaluated: 2022-12-01. Review status: criteria provided, single submitter. Criteria: CeGaT Center For Human Genetics Tuebingen Variant Classification Criteria Version 2. Collection method: clinical testing. Allele origin: germline. Affected: yes. Observed: 1 variant allele.
Comment: SIK1: BP4, BP7